The following is an entry in ClinVar:

ClinVar aggregate classification (germline): Uncertain significance (1 of 4 stars; one submission).

Conditions:
ZMYM2-related disorder. Also called: ZMYM2-related condition.

Submission:

PreventionGenetics, part of Exact Sciences
Classification: Uncertain significance for ZMYM2-related condition. Last evaluated: 2025-09-20. Review status: criteria provided, single submitter. Criteria: ACMG Guidelines, 2015. Collection method: clinical testing. Allele origin: germline.
Comment: The ZMYM2 c.802G>C variant is predicted to result in the amino acid substitution p.Gly268Arg. To our knowledge, this variant has not been reported in the literature or in a large population database (gnomAD), indicating this variant is rare. At this time, the clinical significance of this variant is uncertain due to the absence of conclusive functional and genetic evidence.

NM_197968.4(ZMYM2):c.802G>C (p.Gly268Arg)

Gene: ZMYM2 (zinc finger MYM-type containing 2; plus strand). Cytogenetic location: 13q12.11.
Variant type: single nucleotide variant.
Coding change: c.802G>C on transcript NM_197968.4 (MANE Select); coding-DNA position 802, G replaced by C.
Protein change: p.Gly268Arg; replaces glycine 268 with arginine.
Molecular consequence: missense variant. On other transcripts: non-coding transcript variant (1).
Genome position (GRCh38, 1-based): chr13:19,993,874, G>C. VCF-style: chr13-19993874-G-C. GRCh37 (hg19) VCF-style: chr13-20568014-G-C.
Other names: c.802G>C, p.Gly268Arg (NM_001190964.4, NM_001190965.4, NM_001353157.2 and 5 more transcripts); c.607G>C, p.Gly203Arg (NM_001353161.3); c.541G>C, p.Gly181Arg (NM_001353163.2); short protein forms G268R, G203R, G181R.
Identifiers: ClinVar variation 4992371 (VCV004992371.1).